The following is an entry in ClinVar:

NM_007294.4(BRCA1):c.2231C>A (p.Ala744Asp)

Gene: BRCA1 (BRCA1 DNA repair associated; minus strand). Cytogenetic location: 17q21.31.
Variant type: single nucleotide variant.
Coding change: c.2231C>A on transcript NM_007294.4 (MANE Select); coding-DNA position 2231, C replaced by A.
Protein change: p.Ala744Asp; replaces alanine 744 with aspartic acid.
Molecular consequence: missense variant. On other transcripts: intron variant (137).
Genome position (GRCh38, 1-based): chr17:43,093,300, G>T on the plus strand (C>A on the coding strand, the complement: BRCA1 is on the minus strand). VCF-style: chr17-43093300-G-T. GRCh37 (hg19) VCF-style: chr17-41245317-G-T.
Other names: c.2018C>A, p.Ala673Asp (NM_001407571.1, NM_001407853.1, NM_001407894.1 and 9 more transcripts); c.2231C>A, p.Ala744Asp (NM_001407581.1, NM_001407582.1, NM_001407583.1 and 30 more transcripts); c.2228C>A, p.Ala743Asp (NM_001407587.1, NM_001407590.1, NM_001407591.1 and 22 more transcripts); c.2222C>A, p.Ala741Asp (NM_001407646.1, NM_001407647.1); c.2108C>A, p.Ala703Asp (NM_001407648.1, NM_001407664.1, NM_001407665.1 and 19 more transcripts); c.2105C>A, p.Ala702Asp (NM_001407649.1, NM_001407670.1, NM_001407671.1 and 11 more transcripts); c.2153C>A, p.Ala718Asp (NM_001407653.1, NM_001407654.1, NM_001407655.1 and 4 more transcripts); c.2150C>A, p.Ala717Asp (NM_001407659.1, NM_001407660.1, NM_001407661.1 and 1 more transcripts); and 41 more; short protein forms A744D, A697D, A632D, A656D, A674D, A677D, A741D, A617D.
Identifiers: ClinVar variation 188330 (VCV000188330.16), dbSNP rs786204220, ClinGen allele CA001494.

ClinVar aggregate classification (germline): Conflicting classifications of pathogenicity. Review status: criteria provided, conflicting classifications (1 of 4 stars). 3 submissions from 3 submitters: Uncertain significance (2); Likely benign (1). Last evaluated 2023-03-23.

Conditions:
Hereditary cancer-predisposing syndrome. Also called: Neoplastic Syndromes, Hereditary; Tumor predisposition; Hereditary Cancer Syndrome; Hereditary neoplastic syndrome. Identifiers: Orphanet 140162, MedGen C0027672, MeSH D009386, MONDO:0015356.
Hereditary breast ovarian cancer syndrome. Also called: Hereditary breast and ovarian cancer; Hereditary breast and/or ovarian cancer syndrome; BRCA1- and BRCA2-Associated Hereditary Breast and Ovarian Cancer; Hereditary breast and ovarian cancer syndrome (HBOC); Hereditary breast and ovarian cancer syndrome; Breast and ovarian cancer. Identifiers: Orphanet 145, MedGen C0677776, MeSH D061325, MONDO:0003582. Disease mechanism: loss of function.

Submissions (3):

University of Washington Department of Laboratory Medicine, University of Washington
Classification: Likely benign for Hereditary cancer-predisposing syndrome. Last evaluated: 2023-03-23. Review status: criteria provided, single submitter. Criteria: Dines et al. (Genet Med. 2020). Collection method: curation. Allele origin: germline.
Comment: Missense variant in a coldspot region where missense variants are very unlikely to be pathogenic (PMID:31911673).

BRCA1 coldspot (exon 11 using historical exon numbering). Reclassification based on statistical prior probability

Ambry Genetics
Classification: Uncertain significance for Hereditary cancer-predisposing syndrome. Last evaluated: 2019-06-14. Review status: criteria provided, single submitter. Criteria: Ambry Variant Classification Scheme 2023. Collection method: clinical testing. Allele origin: germline.
Comment: The p.A744D variant (also known as c.2231C>A), located in coding exon 9 of the BRCA1 gene, results from a C to A substitution at nucleotide position 2231. The alanine at codon 744 is replaced by aspartic acid, an amino acid with dissimilar properties. This amino acid position is poorly conserved in available vertebrate species. In addition, this alteration is predicted to be tolerated by BayesDel in silico analysis. Since supporting evidence is limited at this time, the clinical significance of this alteration remains unclear.

Labcorp Genetics (formerly Invitae), Labcorp
Classification: Uncertain significance for Hereditary breast ovarian cancer syndrome. Last evaluated: 2014-12-18. Review status: criteria provided, single submitter. Criteria: Invitae Variant Classification Sherloc (09022015). Collection method: clinical testing. Allele origin: germline.
Comment: This sequence change replaces alanine with aspartic acid at codon 744 of the BRCA1 protein (p.Ala744Asp). The alanine residue is weakly conserved and there is a moderate physicochemical difference between alanine and aspartic acid. Algorithms developed to predict the effect of missense changes on protein structure and function do not agree on the potential impact of this missense change (SIFT: "Tolerated"; PolyPhen-2: "Possibly Damaging"; Align-GVGD: "Class C0"). This sequence change has not been published in the literature and is not present in population databases. In summary, this is a novel missense change with uncertain impact on protein function. It has been classified as a Variant of Uncertain Significance.